The following is an entry in ClinVar:

NM_000541.5(SAG):c.163C>A (p.Leu55Ile)

Gene: SAG (S-antigen visual arrestin; plus strand). Cytogenetic location: 2q37.1.
Variant type: single nucleotide variant.
Coding change: c.163C>A on transcript NM_000541.5 (MANE Select); coding-DNA position 163, C replaced by A.
Protein change: p.Leu55Ile; replaces leucine 55 with isoleucine.
Molecular consequence: missense variant.
Genome position (GRCh38, 1-based): chr2:233,318,777, C>A. VCF-style: chr2-233318777-C-A. GRCh37 (hg19) VCF-style: chr2-234227423-C-A.
Other names: c.163C>A (NM_000541.4); short protein forms L55I.
Identifiers: ClinVar variation 1955111 (VCV001955111.6), dbSNP rs755757588, ClinGen allele CA2174239.

ClinVar aggregate classification (germline): Uncertain significance. Review status: criteria provided, multiple submitters, no conflicts (2 of 4 stars). 2 submissions from 2 submitters: Uncertain significance (2). Last evaluated 2025-11-18.

Conditions:
Inborn genetic diseases. Identifiers: MedGen C0950123, MeSH D030342.

Allele frequency attached by ClinVar (database versions not stated): TOPMed 0.00001; gnomAD 0.00001; ExAC 0.00002.
gnomAD v4.1: 6 of 1,613,754 alleles (0.00037%); highest among the groups gnomAD compares: Admixed American, 0.01%; no homozygotes.

Submissions (2):

Labcorp Genetics (formerly Invitae), Labcorp
Classification: Uncertain significance. Last evaluated: 2025-11-18. Review status: criteria provided, single submitter. Criteria: Invitae Variant Classification Sherloc (09022015). Collection method: clinical testing. Allele origin: germline.
Comment: This sequence change replaces leucine, which is neutral and non-polar, with isoleucine, which is neutral and non-polar, at codon 55 of the SAG protein (p.Leu55Ile). This variant is present in population databases (rs755757588, gnomAD 0.01%). This variant has not been reported in the literature in individuals affected with SAG-related conditions. ClinVar contains an entry for this variant (Variation ID: 1955111). Invitae Evidence Modeling of protein sequence and biophysical properties (such as structural, functional, and spatial information, amino acid conservation, physicochemical variation, residue mobility, and thermodynamic stability) indicates that this missense variant is not expected to disrupt SAG protein function with a negative predictive value of 80%. In summary, the available evidence is currently insufficient to determine the role of this variant in disease. Therefore, it has been classified as a Variant of Uncertain Significance.

Ambry Genetics
Classification: Uncertain significance for Inborn genetic diseases. Last evaluated: 2025-04-14. Review status: criteria provided, single submitter. Criteria: Ambry Variant Classification Scheme 2023. Collection method: clinical testing. Allele origin: germline.